The following is an entry in ClinVar:

NM_005154.5(USP8):c.802T>G (p.Leu268Val)

Gene: USP8 (ubiquitin specific peptidase 8; plus strand). Cytogenetic location: 15q21.2.
Variant type: single nucleotide variant.
Coding change: c.802T>G on transcript NM_005154.5 (MANE Select); coding-DNA position 802, T replaced by G.
Protein change: p.Leu268Val; replaces leucine 268 with valine.
Molecular consequence: missense variant.
Genome position (GRCh38, 1-based): chr15:50,471,748, T>G. VCF-style: chr15-50471748-T-G. GRCh37 (hg19) VCF-style: chr15-50763945-T-G.
Other names: c.802T>G, p.Leu268Val (NM_001128610.3); c.571T>G, p.Leu191Val (NM_001283049.2); short protein forms L268V, L191V.
Identifiers: ClinVar variation 2124926 (VCV002124926.4), dbSNP rs61751062, ClinGen allele CA392386891.

ClinVar aggregate classification (germline): Uncertain significance (1 of 4 stars; one submission).

Conditions:
Hereditary spastic paraplegia. Also called: Familial spastic paraparesis. Identifiers: Orphanet 685, MedGen C0037773, MONDO:0019064. Disease mechanism: loss of function.

Submission:

Labcorp Genetics (formerly Invitae), Labcorp
Classification: Uncertain significance for Hereditary spastic paraplegia. Last evaluated: 2022-04-21. Review status: criteria provided, single submitter. Criteria: Invitae Variant Classification Sherloc (09022015). Collection method: clinical testing. Allele origin: germline.
Comment: This variant is not present in population databases (gnomAD no frequency). This sequence change replaces leucine, which is neutral and non-polar, with valine, which is neutral and non-polar, at codon 268 of the USP8 protein (p.Leu268Val). This variant has not been reported in the literature in individuals affected with USP8-related conditions. In summary, the available evidence is currently insufficient to determine the role of this variant in disease. Therefore, it has been classified as a Variant of Uncertain Significance. Algorithms developed to predict the effect of missense changes on protein structure and function are either unavailable or do not agree on the potential impact of this missense change (SIFT: "Tolerated"; PolyPhen-2: "Probably Damaging"; Align-GVGD: "Class C0").